The following is an entry in ClinVar:

ClinVar aggregate classification (germline): Uncertain significance (1 of 4 stars; one submission).

Allele frequency attached by ClinVar (database versions not stated): gnomAD 0.00001 and 0.00003; 1000 Genomes Project 30x 0.00031; 1000 Genomes Project 0.00040.
gnomAD v4.1: 35 of 1,614,118 alleles (0.0022%); highest among the groups gnomAD compares: South Asian, 0.018%; 1 homozygote.

Submission:

Labcorp Genetics (formerly Invitae), Labcorp
Classification: Uncertain significance. Last evaluated: 2024-08-06. Review status: criteria provided, single submitter. Criteria: Invitae Variant Classification Sherloc (09022015). Collection method: clinical testing. Allele origin: germline.
Comment: This sequence change replaces serine, which is neutral and polar, with leucine, which is neutral and non-polar, at codon 390 of the MCPH1 protein (p.Ser390Leu). This variant is present in population databases (rs534041070, gnomAD 0.007%). This variant has not been reported in the literature in individuals affected with MCPH1-related conditions. ClinVar contains an entry for this variant (Variation ID: 1394026). Advanced modeling of protein sequence and biophysical properties (such as structural, functional, and spatial information, amino acid conservation, physicochemical variation, residue mobility, and thermodynamic stability) performed at Invitae indicates that this missense variant is not expected to disrupt MCPH1 protein function with a negative predictive value of 80%. In summary, the available evidence is currently insufficient to determine the role of this variant in disease. Therefore, it has been classified as a Variant of Uncertain Significance.

NM_024596.5(MCPH1):c.1169C>T (p.Ser390Leu)

Gene: MCPH1 (microcephalin 1; plus strand). Cytogenetic location: 8p23.1.
Variant type: single nucleotide variant.
Coding change: c.1169C>T on transcript NM_024596.5 (MANE Select); coding-DNA position 1169, C replaced by T.
Protein change: p.Ser390Leu; replaces serine 390 with leucine.
Molecular consequence: missense variant. On other transcripts: non-coding transcript variant (1).
Genome position (GRCh38, 1-based): chr8:6,444,891, C>T. VCF-style: chr8-6444891-C-T. GRCh37 (hg19) VCF-style: chr8-6302412-C-T.
Other names: c.1169C>T, p.Ser390Leu (NM_001172574.2, NM_001322042.2, NM_001363979.1 and 1 more transcripts); c.1025C>T, p.Ser342Leu (NM_001172575.2); c.1163C>T, p.Ser388Leu (NM_001322043.2); c.1067C>T, p.Ser356Leu (NM_001322045.2); short protein forms S342L, S388L, S390L, S356L.
Identifiers: ClinVar variation 1394026 (VCV001394026.6), dbSNP rs534041070, ClinGen allele CA4610478.